The following is an entry in ClinVar:

NM_000238.4(KCNH2):c.2120A>T (p.Tyr707Phe)

Gene: KCNH2 (potassium voltage-gated channel subfamily H member 2; minus strand). Cytogenetic location: 7q36.1.
Variant type: single nucleotide variant.
Coding change: c.2120A>T on transcript NM_000238.4 (MANE Select); coding-DNA position 2120, A replaced by T.
Protein change: p.Tyr707Phe; replaces tyrosine 707 with phenylalanine.
Molecular consequence: missense variant. On other transcripts: non-coding transcript variant (2).
Genome position (GRCh38, 1-based): chr7:150,950,946, T>A on the plus strand (A>T on the coding strand, the complement: KCNH2 is on the minus strand). VCF-style: chr7-150950946-T-A. GRCh37 (hg19) VCF-style: chr7-150648034-T-A.
Other names: c.1100A>T, p.Tyr367Phe (NM_001204798.2, NM_172057.3); c.1832A>T, p.Tyr611Phe (NM_001406753.1, NM_001406756.1); c.1943A>T, p.Tyr648Phe (NM_001406755.1); c.1820A>T, p.Tyr607Phe (NM_001406757.1); c.2120A>T, p.Tyr707Phe (NM_172056.3); short protein forms Y367F, Y607F, Y611F, Y648F, Y707F.
Identifiers: ClinVar variation 4537156 (VCV004537156.1).

ClinVar aggregate classification (germline): Uncertain significance (1 of 4 stars; one submission).

Submission:

Women's Health and Genetics/Laboratory Corporation of America, LabCorp
Classification: Uncertain significance. Last evaluated: 2025-11-26. Review status: criteria provided, single submitter. Criteria: LabCorp Variant Classification Summary - May 2015. Collection method: clinical testing. Allele origin: germline.
Comment: Variant summary: KCNH2 c.2120A>T (p.Tyr707Phe) results in a conservative amino acid change in the encoded protein sequence. Algorithms developed to predict the effect of missense changes on protein structure and function are either unavailable or do not agree on the potential impact of this missense change. The variant was absent in 251392 control chromosomes. The available data on variant occurrences in the general population are insufficient to allow any conclusion about variant significance. To our knowledge, no occurrence of c.2120A>T in individuals affected with KCNH2-related conditions and no experimental evidence demonstrating its impact on protein function have been reported. No submitters have cited clinical-significance assessments for this variant to ClinVar. Based on the evidence outlined above, the variant was classified as uncertain significance.